The following is an entry in ClinVar:

ClinVar aggregate classification (germline): Uncertain significance (1 of 4 stars; one submission).

Submission:

GeneDx
Classification: Uncertain significance. Last evaluated: 2025-04-27. Review status: criteria provided, single submitter. Criteria: GeneDx Variant Classification Process June 2021. Collection method: clinical testing. Allele origin: germline.
Comment: Not observed at significant frequency in large population cohorts (gnomAD); In silico analysis supports that this missense variant has a deleterious effect on protein structure/function; Has not been previously published as pathogenic or benign to our knowledge

NM_003922.4(HERC1):c.1663A>G (p.Thr555Ala)

Gene: HERC1 (HECT and RLD domain containing E3 ubiquitin protein ligase family member 1; minus strand). Cytogenetic location: 15q22.31.
Variant type: single nucleotide variant.
Coding change: c.1663A>G on transcript NM_003922.4 (MANE Select); coding-DNA position 1663, A replaced by G.
Protein change: p.Thr555Ala; replaces threonine 555 with alanine.
Molecular consequence: missense variant.
Genome position (GRCh38, 1-based): chr15:63,754,616, T>C on the plus strand (A>G on the coding strand, the complement: HERC1 is on the minus strand). VCF-style: chr15-63754616-T-C. GRCh37 (hg19) VCF-style: chr15-64046815-T-C.
Other names: short protein forms T555A.
Identifiers: ClinVar variation 3367764 (VCV003367764.2).